The following is an entry in ClinVar:

NM_001458.5(FLNC):c.5879G>A (p.Gly1960Asp)

Genes: FLNC (filamin C; plus strand), FLNC-AS1 (FLNC antisense RNA 1; minus strand). Cytogenetic location: 7q32.1.
Variant type: single nucleotide variant.
Coding change: c.5879G>A on transcript NM_001458.5 (MANE Select); coding-DNA position 5879, G replaced by A.
Protein change: p.Gly1960Asp; replaces glycine 1960 with aspartic acid.
Molecular consequence: missense variant.
Genome position (GRCh38, 1-based): chr7:128,852,627, G>A. VCF-style: chr7-128852627-G-A. GRCh37 (hg19) VCF-style: chr7-128492681-G-A.
Other names: c.5780G>A, p.Gly1927Asp (NM_001127487.2); short protein forms G1927D, G1960D.
Identifiers: ClinVar variation 4688611 (VCV004688611.1).

ClinVar aggregate classification (germline): Uncertain significance (1 of 4 stars; one submission).

gnomAD v4.1: 4 of 1,613,306 alleles (0.00025%); highest among the groups gnomAD compares: South Asian, 0.0033%; no homozygotes.

Submission:

Women's Health and Genetics/Laboratory Corporation of America, LabCorp
Classification: Uncertain significance. Last evaluated: 2025-12-03. Review status: criteria provided, single submitter. Criteria: LabCorp Variant Classification Summary - May 2015. Collection method: clinical testing. Allele origin: germline.
Comment: Variant summary: FLNC c.5879G>A (p.Gly1960Asp) results in a non-conservative amino acid change in the encoded protein sequence. Algorithms developed to predict the effect of missense changes on protein structure and function are either unavailable or do not agree on the potential impact of this missense change. The variant was absent in 248686 control chromosomes. The available data on variant occurrences in the general population are insufficient to allow any conclusion about variant significance. To our knowledge, no occurrence of c.5879G>A in individuals affected with FLNC-related conditions and no experimental evidence demonstrating its impact on protein function have been reported. No submitters have cited clinical-significance assessments for this variant to ClinVar. Based on the evidence outlined above, the variant was classified as uncertain significance.